The following is an entry in ClinVar:

NM_021167.5(GATAD1):c.613A>G (p.Ile205Val)

Gene: GATAD1 (GATA zinc finger domain containing 1; plus strand). Cytogenetic location: 7q21.2.
Variant type: single nucleotide variant.
Coding change: c.613A>G on transcript NM_021167.5 (MANE Select); coding-DNA position 613, A replaced by G.
Protein change: p.Ile205Val; replaces isoleucine 205 with valine.
Molecular consequence: missense variant. On other transcripts: non-coding transcript variant (1).
Genome position (GRCh38, 1-based): chr7:92,454,679, A>G. VCF-style: chr7-92454679-A-G. GRCh37 (hg19) VCF-style: chr7-92083993-A-G.
Other names: p.I205V:ATC>GTC; short protein forms I205V.
Identifiers: ClinVar variation 201784 (VCV000201784.7), dbSNP rs794729022, ClinGen allele CA335180.
Genomic context (GRCh38, chr7:92,454,679, plus strand): 5'-CTGACGTGGCTCATTCCTACCCTCTCTAGCCCCAGAGACCAATTTGATCCCGCCTCCTAT[A>G]TCATAGGTAAGTTTGACAAATGGCACAGGTTTTTTTTTAACTTAGTTAACTCTCCAATAT-3'
Protein context (NP_066990.3, residues 195-215): PRDQFDPASY[Ile205Val]IGPEEDLPRK

ClinVar aggregate classification (germline): Uncertain significance. Review status: criteria provided, multiple submitters, no conflicts (2 of 4 stars). 3 submissions from 3 submitters: Uncertain significance (3). Last evaluated 2025-12-01.

Conditions:
Cardiovascular phenotype. Identifiers: MedGen CN230736.
Dilated cardiomyopathy 2B. Identifiers: Orphanet 154, MedGen C3553409, MONDO:0013848, OMIM 614672.

Allele frequency attached by ClinVar (database versions not stated): gnomAD 0.00002; TOPMed 0.00001; gnomAD exomes 0.00002.
gnomAD v4.1: 26 of 1,576,312 alleles (0.0016%); highest among the groups gnomAD compares: Non-Finnish European, 0.0022%; no homozygotes.

Submissions (3):

Labcorp Genetics (formerly Invitae), Labcorp
Classification: Uncertain significance for Dilated cardiomyopathy 2B. Last evaluated: 2025-12-01. Review status: criteria provided, single submitter. Criteria: Invitae Variant Classification Sherloc (09022015). Collection method: clinical testing. Allele origin: germline.
Comment: This sequence change replaces isoleucine, which is neutral and non-polar, with valine, which is neutral and non-polar, at codon 205 of the GATAD1 protein (p.Ile205Val). This variant is present in population databases (rs794729022, gnomAD 0.007%). This variant has not been reported in the literature in individuals affected with GATAD1-related conditions. ClinVar contains an entry for this variant (Variation ID: 201784). Invitae Evidence Modeling of protein sequence and biophysical properties (such as structural, functional, and spatial information, amino acid conservation, physicochemical variation, residue mobility, and thermodynamic stability) indicates that this missense variant is not expected to disrupt GATAD1 protein function with a negative predictive value of 80%. In summary, the available evidence is currently insufficient to determine the role of this variant in disease. Therefore, it has been classified as a Variant of Uncertain Significance.

Ambry Genetics
Classification: Uncertain significance for Cardiovascular phenotype. Last evaluated: 2025-02-01. Review status: criteria provided, single submitter. Criteria: Ambry Variant Classification Scheme 2023. Collection method: clinical testing. Allele origin: germline.

GeneDx
Classification: Uncertain significance. Last evaluated: 2014-10-02. Review status: criteria provided, single submitter. Criteria: GeneDx Variant Classification (06012015). Collection method: clinical testing. Allele origin: germline. Affected: yes.
Comment: A variant of unknown significance has been identified in the GATAD1 gene. The I205V variant has not been published as a mutation, nor has it been reported as a benign polymorphism to our knowledge. The I205V variant was not observed in approximately 6,500 individuals of European and African American ancestry in the NHLBI Exome Sequencing Project, indicating it is not a common benign variant in these populations. This substitution occurs at a position that is conserved across species. However, the I205V variant is a conservative amino acid substitution, which is not likely to impact secondary protein structure as these residues share similar properties. Additionally, in silico analysis is inconsistent in its predictions as to whether or not the variant is damaging to the protein structure/function. Furthermore, missense mutations in nearby residues have not been reported indicating this region of the protein may be tolerant of change. Therefore, based on the currently available information, it is unclear whether this variant is a pathogenic mutation or a rare benign variant. The variant is found in CARDIOMYOPATHY panel(s).